The following is an entry in ClinVar:

ClinVar aggregate classification (germline): Uncertain significance (1 of 4 stars; one submission).

Conditions:
BAP1-related tumor predisposition syndrome (TPDS1). Also called: COMMON Syndrome; TUMOR PREDISPOSITION SYNDROME 1; Tumor susceptibility linked to germline BAP1 mutations; BAP1 tumor predisposition syndrome. Identifiers: Orphanet 289539, MedGen C3280492, MONDO:0013692, OMIM 614327.

Submission:

Labcorp Genetics (formerly Invitae), Labcorp
Classification: Uncertain significance for BAP1-related tumor predisposition syndrome. Last evaluated: 2025-02-27. Review status: criteria provided, single submitter. Criteria: Invitae Variant Classification Sherloc (09022015). Collection method: clinical testing. Allele origin: germline.
Comment: This sequence change falls in intron 12 of the BAP1 gene. It does not directly change the encoded amino acid sequence of the BAP1 protein. It affects a nucleotide within the consensus splice site. This variant is not present in population databases (gnomAD no frequency). This variant has not been reported in the literature in individuals affected with BAP1-related conditions. Variants that disrupt the consensus splice site are a relatively common cause of aberrant splicing (PMID: 17576681, 9536098). Algorithms developed to predict the effect of sequence changes on RNA splicing suggest that this variant may disrupt the consensus splice site. In summary, the available evidence is currently insufficient to determine the role of this variant in disease. Therefore, it has been classified as a Variant of Uncertain Significance.

Literature cited by the submitters: PubMed 17576681; PubMed 9536098.

NM_004656.4(BAP1):c.1251-3C>G

Gene: BAP1 (BRCA1 associated deubiquitinase 1; minus strand). Cytogenetic location: 3p21.1.
Variant type: single nucleotide variant.
Coding change: c.1251-3C>G on transcript NM_004656.4 (MANE Select); 3 bases into the intron before coding-DNA position 1251, C replaced by G.
Molecular consequence: intron variant.
Genome position (GRCh38, 1-based): chr3:52,403,897, G>C on the plus strand (C>G on the coding strand, the complement: BAP1 is on the minus strand). VCF-style: chr3-52403897-G-C. GRCh37 (hg19) VCF-style: chr3-52437913-G-C.
Other names: c.1197-3C>G (NM_001410772.1).
Identifiers: ClinVar variation 4714014 (VCV004714014.1).